The following is an entry in ClinVar:

ClinVar aggregate classification (germline): Uncertain significance (1 of 4 stars; one submission).

Conditions:
Duchenne muscular dystrophy (DMD). Also called: Duchenne Muscular Dystrophy (DMD); MUSCULAR DYSTROPHY, PSEUDOHYPERTROPHIC PROGRESSIVE, DUCHENNE TYPE. Identifiers: Orphanet 98896, MedGen C0013264, MONDO:0010679, OMIM 310200.

Submission:

Labcorp Genetics (formerly Invitae), Labcorp
Classification: Uncertain significance for Duchenne muscular dystrophy. Last evaluated: 2022-07-06. Review status: criteria provided, single submitter. Criteria: Invitae Variant Classification Sherloc (09022015). Collection method: clinical testing. Allele origin: germline.
Comment: This variant has not been reported in the literature in individuals affected with DMD-related conditions. This variant is not present in population databases (gnomAD no frequency). This sequence change replaces glutamic acid, which is acidic and polar, with lysine, which is basic and polar, at codon 2272 of the DMD protein (p.Glu2272Lys). In summary, the available evidence is currently insufficient to determine the role of this variant in disease. Therefore, it has been classified as a Variant of Uncertain Significance. Algorithms developed to predict the effect of missense changes on protein structure and function are either unavailable or do not agree on the potential impact of this missense change (SIFT: "Deleterious"; PolyPhen-2: "Possibly Damaging"; Align-GVGD: "Class C0"). ClinVar contains an entry for this variant (Variation ID: 526086).

NM_004006.3(DMD):c.6814G>A (p.Glu2272Lys)

Gene: DMD (dystrophin; minus strand). Cytogenetic location: Xp21.1.
Variant type: single nucleotide variant.
Coding change: c.6814G>A on transcript NM_004006.3 (MANE Select); coding-DNA position 6814, G replaced by A.
Protein change: p.Glu2272Lys; replaces glutamic acid 2272 with lysine.
Molecular consequence: missense variant. On other transcripts: 5 prime UTR variant (5).
Genome position (GRCh38, 1-based): chrX:31,929,694, C>T on the plus strand (G>A on the coding strand, the complement: DMD is on the minus strand). VCF-style: chrX-31929694-C-T. GRCh37 (hg19) VCF-style: chrX-31947811-C-T.
Other names: c.6790G>A, p.Glu2264Lys (NM_000109.4); c.6802G>A, p.Glu2268Lys (NM_004009.3); c.6445G>A, p.Glu2149Lys (NM_004010.3); c.2791G>A, p.Glu931Lys (NM_004011.4); c.2782G>A, p.Glu928Lys (NM_004012.4); c.-567G>A (NM_004013.3, NM_004020.4, NM_004021.3 and 2 more transcripts); short protein forms E2272K, E2264K, E928K, E2149K, E2268K, E931K.
Identifiers: ClinVar variation 526086 (VCV000526086.11), dbSNP rs1557010214, ClinGen allele CA412657963.